The following is an entry in ClinVar:

ClinVar aggregate classification (germline): Uncertain significance (1 of 4 stars; one submission).

Conditions:
Alpha thalassemia-X-linked intellectual disability syndrome (ATRX). Also called: ALPHA-THALASSEMIA/MENTAL RETARDATION SYNDROME, X-LINKED; ATR, NONDELETION TYPE; ATR-X syndrome; Alpha thalassemia mental retardation syndrome, nondeletion type, X-linked; XLMR hypotonic face syndrome; X-linked alpha-thalassemia-mental retardation syndrome. Identifiers: Orphanet 847, MedGen C1845055, MONDO:0010519, OMIM 301040.

Submission:

Labcorp Genetics (formerly Invitae), Labcorp
Classification: Uncertain significance for Alpha thalassemia-X-linked intellectual disability syndrome. Last evaluated: 2020-04-23. Review status: criteria provided, single submitter. Criteria: Invitae Variant Classification Sherloc (09022015). Collection method: clinical testing. Allele origin: germline.
Comment: This variant results in a copy number gain of the genomic region encompassing exons 1-28 of the ATRX gene, which includes the initiator codon. The 5' end of this event is unknown as it extends beyond the assayed region for this gene and therefore may encompass additional genes. The 3' boundary is likely confined to intron 28 of the ATRX gene. As the precise location of this event is unknown, it may be in tandem or it may be located elsewhere in the genome. This variant has not been reported in the literature in individuals with ATRX-related conditions. In summary, the available evidence is currently insufficient to determine the role of this variant in disease. Therefore, it has been classified as a Variant of Uncertain Significance.

NC_000023.10:g.(?_76829695)_(77041507_?)dup

Gene: ATRX (ATRX chromatin remodeler; minus strand). Cytogenetic location: Xq21.1.
Variant type: Duplication.
Identifiers: ClinVar variation 1014632 (VCV001014632.6).